The following is an entry in ClinVar:

NM_000127.3(EXT1):c.741G>A (p.Glu247=)

Gene: EXT1 (exostosin glycosyltransferase 1; minus strand). Cytogenetic location: 8q24.11.
Variant type: single nucleotide variant.
Coding change: c.741G>A on transcript NM_000127.3 (MANE Select); coding-DNA position 741, G replaced by A.
Protein change: p.Glu247=; no amino-acid change (glutamic acid 247 retained).
Molecular consequence: synonymous variant.
Genome position (GRCh38, 1-based): chr8:118,110,306, C>T on the plus strand (G>A on the coding strand, the complement: EXT1 is on the minus strand). VCF-style: chr8-118110306-C-T. GRCh37 (hg19) VCF-style: chr8-119122545-C-T.
Identifiers: ClinVar variation 707241 (VCV000707241.13), dbSNP rs148473091, ClinGen allele CA4854323.
Genomic context (GRCh38, chr8:118,110,306, plus strand): 5'-CTTGAATACCAGCATGTACTTCCTGAGAGGAGGGATGGTGTTGAACTTCAAAAACCCCCT[C>T]TCCCCTCCTGTCCTGGGATGATCCTTAGAAAAGAGGGGAATAGAAACATCAAAGTTGGGT-3'
Protein context (NP_000118.2, residues 237-257): FSKDHPRTGG[Glu247=]RGFLKFNTIP

ClinVar aggregate classification (germline): Benign. Review status: criteria provided, single submitter (1 of 4 stars). 2 submissions from 2 submitters: Benign (1). 1 of the submissions does not count toward it. Last evaluated 2025-11-28.

Conditions:
Multiple congenital exostosis (EXT). Also called: MULTIPLE CARTILAGINOUS EXOSTOSES; Multiple exostoses; Multiple osteochondromas; Hereditary multiple osteochondromas; Hereditary multiple exostoses; Hereditary multiple exostosis. Identifiers: Orphanet 321, MedGen C0015306, MONDO:0005508, HP:0002762.
EXT1-related disorder. Also called: EXT1-related condition.

Allele frequency attached by ClinVar (database versions not stated): gnomAD exomes 0.00005 and 0.00018; 1000 Genomes Project 30x 0.00016; ExAC 0.00018; 1000 Genomes Project 0.00020; gnomAD 0.00057 and 0.00063; ESP Exome Variant Server 0.00062; TOPMed 0.00074.
gnomAD v4.1: 165 of 1,614,164 alleles (0.01%); highest among the groups gnomAD compares: African/African-American, 0.19%; no homozygotes.

Submissions (2):

Labcorp Genetics (formerly Invitae), Labcorp
Classification: Benign for Multiple congenital exostosis. Last evaluated: 2025-11-28. Review status: criteria provided, single submitter. Criteria: Invitae Variant Classification Sherloc (09022015). Collection method: clinical testing. Allele origin: germline.

PreventionGenetics, part of Exact Sciences
Classification: Likely benign for EXT1-related condition. Last evaluated: 2019-03-18. Review status: no assertion criteria provided. Collection method: clinical testing. Allele origin: germline. Not counted in ClinVar's aggregate classification.
Comment: This variant is classified as likely benign based on ACMG/AMP sequence variant interpretation guidelines (Richards et al. 2015 PMID: 25741868, with internal and published modifications).